The following is an entry in ClinVar:

ClinVar aggregate classification (germline): Uncertain significance. Review status: criteria provided, multiple submitters, no conflicts (2 of 4 stars). 2 submissions from 2 submitters: Uncertain significance (2). Last evaluated 2024-02-05.

Conditions:
Inborn genetic diseases. Identifiers: MedGen C0950123, MeSH D030342.

Allele frequency attached by ClinVar (database versions not stated): gnomAD 0.00002; TOPMed 0.00002.
gnomAD v4.1: 15 of 1,613,938 alleles (0.00093%); highest among the groups gnomAD compares: Non-Finnish European, 0.0011%; no homozygotes.

Submissions (2):

Ambry Genetics
Classification: Uncertain significance for Inborn genetic diseases. Last evaluated: 2024-02-05. Review status: criteria provided, single submitter. Criteria: Ambry Variant Classification Scheme 2023. Collection method: clinical testing. Allele origin: germline.

Labcorp Genetics (formerly Invitae), Labcorp
Classification: Uncertain significance. Last evaluated: 2022-09-07. Review status: criteria provided, single submitter. Criteria: Invitae Variant Classification Sherloc (09022015). Collection method: clinical testing. Allele origin: germline.
Comment: This sequence change replaces glycine, which is neutral and non-polar, with aspartic acid, which is acidic and polar, at codon 2970 of the VCAN protein (p.Gly2970Asp). This variant is not present in population databases (gnomAD no frequency). This missense change has been observed in individual(s) with retinal dystrophy (Invitae). ClinVar contains an entry for this variant (Variation ID: 1040636). Algorithms developed to predict the effect of missense changes on protein structure and function output the following: SIFT: "Tolerated"; PolyPhen-2: "Benign"; Align-GVGD: "Class C0". The aspartic acid amino acid residue is found in multiple mammalian species, which suggests that this missense change does not adversely affect protein function. In summary, the available evidence is currently insufficient to determine the role of this variant in disease. Therefore, it has been classified as a Variant of Uncertain Significance.

NM_004385.5(VCAN):c.8909G>A (p.Gly2970Asp)

Genes: VCAN (versican; plus strand), VCAN-AS1 (VCAN antisense RNA 1; minus strand). Cytogenetic location: 5q14.3.
Variant type: single nucleotide variant.
Coding change: c.8909G>A on transcript NM_004385.5 (MANE Select); coding-DNA position 8909, G replaced by A.
Protein change: p.Gly2970Asp; replaces glycine 2970 with aspartic acid.
Molecular consequence: missense variant. On other transcripts: intron variant (2).
Genome position (GRCh38, 1-based): chr5:83,541,912, G>A. VCF-style: chr5-83541912-G-A. GRCh37 (hg19) VCF-style: chr5-82837731-G-A.
Other names: c.8909G>A (NM_004385.4); c.5948G>A, p.Gly1983Asp (NM_001164097.2); c.4004-3625G>A (NM_001164098.2); c.1043-3625G>A (NM_001126336.3); short protein forms G1983D, G2970D.
Identifiers: ClinVar variation 1040636 (VCV001040636.9), dbSNP rs1242023577, ClinGen allele CA360294443.